The following is an entry in ClinVar:

NM_016032.4(ZDHHC9):c.1055C>G (p.Pro352Arg)

Gene: ZDHHC9 (zDHHC palmitoyltransferase 9; minus strand). Cytogenetic location: Xq26.1.
Variant type: single nucleotide variant.
Coding change: c.1055C>G on transcript NM_016032.4 (MANE Select); coding-DNA position 1055, C replaced by G.
Protein change: p.Pro352Arg; replaces proline 352 with arginine.
Molecular consequence: missense variant.
Genome position (GRCh38, 1-based): chrX:129,806,410, G>C on the plus strand (C>G on the coding strand, the complement: ZDHHC9 is on the minus strand). VCF-style: chrX-129806410-G-C. GRCh37 (hg19) VCF-style: chrX-128940386-G-C.
Other names: c.1055C>G, p.Pro352Arg (NM_001008222.3); short protein forms P352R.
Identifiers: ClinVar variation 1488907 (VCV001488907.8), dbSNP rs893901934, ClinGen allele CA335093152.

ClinVar aggregate classification (germline): Uncertain significance (1 of 4 stars; one submission).

Conditions:
Intellectual developmental disorder, X-linked, syndromic, Raymond type. Also called: Syndromic X-linked intellectual disability Raymond type. Identifiers: MedGen C3275406, MONDO:0010427, OMIM 300799.

Allele frequency attached by ClinVar (database versions not stated): TOPMed 0.00001.

Submission:

Labcorp Genetics (formerly Invitae), Labcorp
Classification: Uncertain significance for Intellectual developmental disorder, X-linked, syndromic, Raymond type. Last evaluated: 2021-01-19. Review status: criteria provided, single submitter. Criteria: Invitae Variant Classification Sherloc (09022015). Collection method: clinical testing. Allele origin: germline.
Comment: This sequence change replaces proline with arginine at codon 352 of the ZDHHC9 protein (p.Pro352Arg). The proline residue is moderately conserved and there is a moderate physicochemical difference between proline and arginine. This variant is not present in population databases (ExAC no frequency). This variant has not been reported in the literature in individuals with ZDHHC9-related conditions. Algorithms developed to predict the effect of missense changes on protein structure and function are either unavailable or do not agree on the potential impact of this missense change (SIFT: "Deleterious"; PolyPhen-2: "Not Available"; Align-GVGD: "Class C0"). In summary, the available evidence is currently insufficient to determine the role of this variant in disease. Therefore, it has been classified as a Variant of Uncertain Significance.